The following is an entry in ClinVar:

NM_001134831.2(AHI1):c.932-2_932del

Gene: AHI1 (Abelson helper integration site 1; minus strand). Cytogenetic location: 6q23.3.
Variant type: Deletion.
Coding change: c.932-2_932del on transcript NM_001134831.2 (MANE Select); the canonical splice acceptor site of the intron before coding-DNA position 932 through coding-DNA position 932, 3 bases deleted (AGT; older notation c.932-2_932delAGT).
Molecular consequence: splice acceptor variant.
Genome position (GRCh38, 1-based): chr6:135,457,713-135,457,715, ACT deleted on the plus strand (AGT on the coding strand, the reverse complement: AHI1 is on the minus strand); deleting any 3 consecutive bases within chr6:135,457,713-135,457,717 gives the same sequence; the c. name uses the placement nearest the transcript's 3' end. VCF-style (leftmost placement, unchanged base first): chr6-135457712-AACT-A. GRCh37 (hg19) VCF-style: chr6-135778850-AACT-A.
Other names: c.932-2_932del (NM_001134830.2, NM_001350503.2, NM_017651.5 and 2 more transcripts); c.932-2_932delAGT (NM_017651.5).
Identifiers: ClinVar variation 2903017 (VCV002903017.4), dbSNP rs1789200069, ClinGen allele CA1665875128.

ClinVar aggregate classification (germline): Conflicting classifications of pathogenicity. Review status: criteria provided, conflicting classifications (1 of 4 stars). 3 submissions from 3 submitters: Likely pathogenic (2); Uncertain significance (1). Last evaluated 2025-08-21.

Conditions:
Joubert syndrome 3 (JBTS3). Also called: AHI1-related Ciliopathy. Identifiers: Orphanet 220493, MedGen C1837713, MONDO:0012078, OMIM 608629.
Joubert syndrome. Also called: JOUBERT-BOLTSHAUSER SYNDROME; Familial aplasia of the vermis. Identifiers: Orphanet 475, MedGen C5979921, MONDO:0018772.

Submissions (3):

First Genomix Gene Laboratory, Genetic Diagnostics Department
Classification: Likely pathogenic for Joubert syndrome 3. Last evaluated: 2025-08-21. Review status: criteria provided, single submitter. Criteria: ACMG Guidelines, 2015. Collection method: clinical testing. Allele origin: germline. Inheritance: Autosomal recessive inheritance. Affected: no. Observed: 1 variant allele.

Labcorp Genetics (formerly Invitae), Labcorp
Classification: Likely pathogenic for Joubert syndrome. Last evaluated: 2025-04-09. Review status: criteria provided, single submitter. Criteria: Invitae Variant Classification Sherloc (09022015). Collection method: clinical testing. Allele origin: germline.
Comment: This variant results in the deletion of part of exon 8 (c.932-2_932del) of the AHI1 gene. It is expected to disrupt RNA splicing. Variants that disrupt the donor or acceptor splice site typically lead to a loss of protein function (PMID: 16199547), and loss-of-function variants in AHI1 are known to be pathogenic (PMID: 15322546, 16453322, 28442542, 29186038). This variant is not present in population databases (gnomAD no frequency). This variant has not been reported in the literature in individuals affected with AHI1-related conditions. ClinVar contains an entry for this variant (Variation ID: 2903017). Algorithms developed to predict the effect of sequence changes on RNA splicing suggest that this variant may disrupt the consensus splice site. In summary, the currently available evidence indicates that the variant is pathogenic, but additional data are needed to prove that conclusively. Therefore, this variant has been classified as Likely Pathogenic.

Blueprint Genetics
Classification: Uncertain significance. Last evaluated: 2021-12-10. Review status: criteria provided, single submitter. Criteria: ACMG Guidelines, 2015. Collection method: clinical testing. Allele origin: germline.

Literature cited by the submitters: PubMed 16199547 (cited by Labcorp Genetics (formerly Invitae), Labcorp); PubMed 15322546 (cited by Labcorp Genetics (formerly Invitae), Labcorp); PubMed 16453322 (cited by Labcorp Genetics (formerly Invitae), Labcorp); PubMed 28442542 (cited by Labcorp Genetics (formerly Invitae), Labcorp); PubMed 29186038 (cited by Labcorp Genetics (formerly Invitae), Labcorp).